The following is an entry in ClinVar:

ClinVar aggregate classification (germline): Uncertain significance (1 of 4 stars; one submission).

Submission:

GeneDx
Classification: Uncertain significance. Last evaluated: 2021-08-19. Review status: criteria provided, single submitter. Criteria: GeneDx Variant Classification Process June 2021. Collection method: clinical testing. Allele origin: germline. Affected: yes.
Comment: Not observed in large population cohorts (Lek et al., 2016); In silico analysis supports that this missense variant has a deleterious effect on protein structure/function; Has not been previously published as pathogenic or benign to our knowledge

NM_017649.5(CNNM2):c.1033G>T (p.Val345Leu)

Gene: CNNM2 (cyclin and CBS domain divalent metal cation transport mediator 2; plus strand). Cytogenetic location: 10q24.32.
Variant type: single nucleotide variant.
Coding change: c.1033G>T on transcript NM_017649.5 (MANE Select); coding-DNA position 1033, G replaced by T.
Protein change: p.Val345Leu; replaces valine 345 with leucine.
Molecular consequence: missense variant.
Genome position (GRCh38, 1-based): chr10:102,919,513, G>T. VCF-style: chr10-102919513-G-T. GRCh37 (hg19) VCF-style: chr10-104679270-G-T.
Other names: c.1033G>T, p.Val345Leu (NM_199076.3, NM_199077.3); short protein forms V345L.
Identifiers: ClinVar variation 1314107 (VCV001314107.2), dbSNP rs2134150418, ClinGen allele CA377959322.